The following is an entry in ClinVar:

NM_178857.6(RP1L1):c.4037_4039del (p.Gly1346del)

Gene: RP1L1 (RP1 like 1). Cytogenetic location: 8p23.1.
Variant type: Deletion.
Coding change: c.4037_4039del on transcript NM_178857.6 (MANE Select); coding-DNA positions 4037 to 4039, 3 bases deleted.
Protein change: p.Gly1346del; deletes glycine 1346.
Molecular consequence: inframe deletion.
Genome position: GRCh38 VCF-style: chr8-10610058-TCTC-T. GRCh37 (hg19) VCF-style: chr8-10467568-TCTC-T.
Other names: short protein forms G1346del.
Identifiers: ClinVar variation 3383100 (VCV003383100.2).

ClinVar aggregate classification (germline): Uncertain significance (1 of 4 stars; one submission).

Conditions:
Occult macular dystrophy (OCMD). Also called: OMD; OCCULT MACULAR DYSTROPHY, SUSCEPTIBILITY TO. Identifiers: Orphanet 247834, MedGen C3150833, MONDO:0013316, OMIM 613587, HP:0030636.

Submission:

Juno Genomics, Hangzhou Juno Genomics, Inc
Classification: Uncertain significance for Occult macular dystrophy. Review status: criteria provided, single submitter. Criteria: ACMG Guidelines, 2015. Collection method: clinical testing. Allele origin: germline. Affected: yes.
Comment: Absent from controls (or at extremely low frequency if recessive) in Genome Aggregation Database, Exome Sequencing Project, 1000 Genomes Project, or Exome Aggregation Consortium.;Protein length changes due to in-frame deletions/insertions in a non-repeat region or stop-loss variants.